The following is an entry in ClinVar:

NC_000006.11:g.(?_65523251)_(66417118_?)del

Gene: EYS (eyes shut homolog; minus strand). Cytogenetic location: 6q12.
Variant type: Deletion.
Identifiers: ClinVar variation 3246100 (VCV003246100.1).

ClinVar aggregate classification (germline): Pathogenic (1 of 4 stars; one submission).

Submission:

Labcorp Genetics (formerly Invitae), Labcorp
Classification: Pathogenic. Last evaluated: 2023-10-17. Review status: criteria provided, single submitter. Criteria: Invitae Variant Classification Sherloc (09022015). Collection method: clinical testing. Allele origin: unknown.
Comment: This variant is a gross deletion of the genomic region encompassing exon(s) 1-22 of the EYS gene, which includes the initiator codon. This deletion extends beyond the assayed region for this gene and therefore may encompass additional genes. It is expected to result in an absent or disrupted protein product. Loss-of-function variants in EYS are known to be pathogenic (PMID: 18836446, 20333770). This variant has not been reported in the literature in individuals affected with EYS-related conditions. For these reasons, this variant has been classified as Pathogenic.

Literature cited by the submitters: PubMed 18836446; PubMed 20333770.